The following is an entry in ClinVar:

NM_000135.4(FANCA):c.2723T>C (p.Leu908Pro)

Gene: FANCA (FA complementation group A; minus strand). Cytogenetic location: 16q24.3.
Variant type: single nucleotide variant.
Coding change: c.2723T>C on transcript NM_000135.4 (MANE Select); coding-DNA position 2723, T replaced by C.
Protein change: p.Leu908Pro; replaces leucine 908 with proline.
Molecular consequence: missense variant.
Genome position (GRCh38, 1-based): chr16:89,764,945, A>G on the plus strand (T>C on the coding strand, the complement: FANCA is on the minus strand). VCF-style: chr16-89764945-A-G. GRCh37 (hg19) VCF-style: chr16-89831353-A-G.
Other names: c.2723T>C, p.Leu908Pro (NM_001286167.3); short protein forms L908P.
Identifiers: ClinVar variation 974337 (VCV000974337.1), dbSNP rs2039075542, ClinGen allele CA397438152.

ClinVar aggregate classification (germline): Pathogenic (0 of 4 stars; one submission).

Conditions:
Fanconi anemia complementation group A (FANCA). Also called: Fanconi anemia, group A; FANCA-Related Fanconi Anemia. Identifiers: Orphanet 84, MedGen C3469521, MONDO:0009215, OMIM 227650.

Submission:

Leiden Open Variation Database
Classification: Pathogenic for Fanconi anemia complementation group A. Last evaluated: 2020-02-28. Review status: no assertion criteria provided. Collection method: curation. Allele origin: germline. Affected: yes.
Comment: Curator: Arleen D. Auerbach. Submitter to LOVD: Arleen D. Auerbach.